The following is an entry in ClinVar:

ClinVar aggregate classification (germline): Uncertain significance (1 of 4 stars; one submission).

Conditions:
Inborn genetic diseases. Identifiers: MedGen C0950123, MeSH D030342.

gnomAD v4.1: 1 of 1,614,160 alleles (0.000062%); highest among the groups gnomAD compares: Non-Finnish European, 0.000085%; no homozygotes.

Submission:

Ambry Genetics
Classification: Uncertain significance for Inborn genetic diseases. Last evaluated: 2024-10-14. Review status: criteria provided, single submitter. Criteria: Ambry Variant Classification Scheme 2023. Collection method: clinical testing. Allele origin: germline.
Comment: The p.F538L variant (also known as c.1614C>G), located in coding exon 17 of the ERCC2 gene, results from a C to G substitution at nucleotide position 1614. The phenylalanine at codon 538 is replaced by leucine, an amino acid with highly similar properties. This amino acid position is conserved. In addition, this alteration is predicted to be deleterious by in silico analysis. Based on the available evidence, the clinical significance of this variant remains unclear.

NM_000400.4(ERCC2):c.1614C>G (p.Phe538Leu)

Gene: ERCC2 (ERCC excision repair 2, TFIIH core complex helicase subunit; minus strand). Cytogenetic location: 19q13.32.
Variant type: single nucleotide variant.
Coding change: c.1614C>G on transcript NM_000400.4 (MANE Select); coding-DNA position 1614, C replaced by G.
Protein change: p.Phe538Leu; replaces phenylalanine 538 with leucine.
Molecular consequence: missense variant.
Genome position (GRCh38, 1-based): chr19:45,354,781, G>C on the plus strand (C>G on the coding strand, the complement: ERCC2 is on the minus strand). VCF-style: chr19-45354781-G-C. GRCh37 (hg19) VCF-style: chr19-45858039-G-C.
Other names: short protein forms F538L.
Identifiers: ClinVar variation 3509881 (VCV003509881.1).